The following is an entry in ClinVar:

NM_001297.5(CNGB1):c.3488G>A (p.Gly1163Glu)

Gene: CNGB1 (cyclic nucleotide gated channel subunit beta 1; minus strand). Cytogenetic location: 16q21.
Variant type: single nucleotide variant.
Coding change: c.3488G>A on transcript NM_001297.5 (MANE Select); coding-DNA position 3488, G replaced by A.
Protein change: p.Gly1163Glu; replaces glycine 1163 with glutamic acid.
Molecular consequence: missense variant.
Genome position (GRCh38, 1-based): chr16:57,884,432, C>T on the plus strand (G>A on the coding strand, the complement: CNGB1 is on the minus strand). VCF-style: chr16-57884432-C-T. GRCh37 (hg19) VCF-style: chr16-57918336-C-T.
Other names: c.3470G>A, p.Gly1157Glu (NM_001286130.2); short protein forms G1157E, G1163E.
Identifiers: ClinVar variation 961045 (VCV000961045.9), dbSNP rs186853874, ClinGen allele CA8082529.

ClinVar aggregate classification (germline): Uncertain significance. Review status: criteria provided, multiple submitters, no conflicts (2 of 4 stars). 5 submissions from 5 submitters: Uncertain significance (5). Last evaluated 2026-03-26.

Conditions:
CNGB1-related disorder. Also called: CNGB1-related condition.
Inborn genetic diseases. Identifiers: MedGen C0950123, MeSH D030342.
Retinal dystrophy. Also called: Inherited retinal dystrophy. Identifiers: Orphanet 71862, MedGen C0854723, MeSH D058499, MONDO:0019118, HP:0000556.

Allele frequency attached by ClinVar (database versions not stated): gnomAD 0.00004 and 0.00006; TOPMed 0.00007; gnomAD exomes 0.00008 and 0.00012; ExAC 0.00009; 1000 Genomes Project 0.00020; 1000 Genomes Project 30x 0.00031.
gnomAD v4.1: 190 of 1,613,608 alleles (0.012%); highest among the groups gnomAD compares: East Asian, 0.26%; no homozygotes.

Submissions (5):

PreventionGenetics, part of Exact Sciences
Classification: Uncertain significance for CNGB1-related condition. Last evaluated: 2026-03-26. Review status: criteria provided, single submitter. Criteria: ACMG Guidelines, 2015. Collection method: clinical testing. Allele origin: germline.
Comment: The CNGB1 c.3488G>A variant is predicted to result in the amino acid substitution p.Gly1163Glu. To our knowledge, this variant has not been reported in the literature. This variant is reported in 0.051% of alleles in individuals of East Asian descent in gnomAD, which may be too frequent to be a primary cause of disease. Although we suspect that this variant may be benign, at this time, the clinical significance of this variant is uncertain due to the absence of conclusive functional and genetic evidence.

Blueprint Genetics
Classification: Uncertain significance. Last evaluated: 2024-10-22. Review status: criteria provided, single submitter. Criteria: ACMG Guidelines, 2015. Collection method: clinical testing. Allele origin: germline.

Dept Of Ophthalmology, Nagoya University
Classification: Uncertain significance for Retinal dystrophy. Last evaluated: 2023-10-01. Review status: criteria provided, single submitter. Criteria: Submitter's publication. Collection method: research. Allele origin: germline. Affected: yes.

Ambry Genetics
Classification: Uncertain significance for Inborn genetic diseases. Last evaluated: 2023-02-28. Review status: criteria provided, single submitter. Criteria: Ambry Variant Classification Scheme 2023. Collection method: clinical testing. Allele origin: germline.

Labcorp Genetics (formerly Invitae), Labcorp
Classification: Uncertain significance. Last evaluated: 2022-04-20. Review status: criteria provided, single submitter. Criteria: Invitae Variant Classification Sherloc (09022015). Collection method: clinical testing. Allele origin: germline.
Comment: This sequence change replaces glycine, which is neutral and non-polar, with glutamic acid, which is acidic and polar, at codon 1163 of the CNGB1 protein (p.Gly1163Glu). This variant is present in population databases (rs186853874, gnomAD 0.05%). This variant has not been reported in the literature in individuals affected with CNGB1-related conditions. ClinVar contains an entry for this variant (Variation ID: 961045). Advanced modeling of protein sequence and biophysical properties (such as structural, functional, and spatial information, amino acid conservation, physicochemical variation, residue mobility, and thermodynamic stability) performed at Invitae indicates that this missense variant is not expected to disrupt CNGB1 protein function. In summary, the available evidence is currently insufficient to determine the role of this variant in disease. Therefore, it has been classified as a Variant of Uncertain Significance.